The following is an entry in ClinVar:

ClinVar aggregate classification (germline): Uncertain significance. Review status: criteria provided, multiple submitters, no conflicts (2 of 4 stars). 2 submissions from 2 submitters: Uncertain significance (2). Last evaluated 2025-12-10.

Conditions:
Familial thoracic aortic aneurysm and aortic dissection (TAAD). Also called: Thoracic aortic aneurysms and dissections. Identifiers: Orphanet 91387, MedGen C4707243, MONDO:0019625.
Marfan syndrome (MFS). Also called: FBN1-Related Marfan Syndrome; Marfan syndrome type 1; Marfan's syndrome; Marfan syndrome, classic; MARFAN SYNDROME, TYPE I. Identifiers: Orphanet 284963, Orphanet 558, MedGen C0024796, MONDO:0007947, OMIM 154700.

Submissions (2):

Labcorp Genetics (formerly Invitae), Labcorp
Classification: Uncertain significance for Marfan syndrome; Familial thoracic aortic aneurysm and aortic dissection. Last evaluated: 2025-12-10. Review status: criteria provided, single submitter. Criteria: Invitae Variant Classification Sherloc (09022015). Collection method: clinical testing. Allele origin: germline.
Comment: This sequence change replaces asparagine, which is neutral and polar, with isoleucine, which is neutral and non-polar, at codon 2415 of the FBN1 protein (p.Asn2415Ile). This variant is not present in population databases (gnomAD no frequency). This variant has not been reported in the literature in individuals affected with FBN1-related conditions. ClinVar contains an entry for this variant (Variation ID: 571705). Invitae Evidence Modeling of protein sequence and biophysical properties (such as structural, functional, and spatial information, amino acid conservation, physicochemical variation, residue mobility, and thermodynamic stability) indicates that this missense variant is expected to disrupt FBN1 protein function with a positive predictive value of 95%. In summary, the available evidence is currently insufficient to determine the role of this variant in disease. Therefore, it has been classified as a Variant of Uncertain Significance.

Women's Health and Genetics/Laboratory Corporation of America, LabCorp
Classification: Uncertain significance. Last evaluated: 2024-07-08. Review status: criteria provided, single submitter. Criteria: LabCorp Variant Classification Summary - May 2015. Collection method: clinical testing. Allele origin: germline.
Comment: Variant summary: FBN1 c.7244A>T (p.Asn2415Ile) results in a non-conservative amino acid change located in the EGF like domain of the encoded protein sequence. Five of five in-silico tools predict a damaging effect of the variant on protein function. The variant was absent in 251198 control chromosomes. The available data on variant occurrences in the general population are insufficient to allow any conclusion about variant significance. To our knowledge, no occurrence of c.7244A>T in individuals affected with Marfan Syndrome and no experimental evidence demonstrating its impact on protein function have been reported. ClinVar contains an entry for this variant (Variation ID: 571705). Based on the evidence outlined above, the variant was classified as uncertain significance.

NM_000138.5(FBN1):c.7244A>T (p.Asn2415Ile)

Gene: FBN1 (fibrillin 1; minus strand). Cytogenetic location: 15q21.1.
Variant type: single nucleotide variant.
Coding change: c.7244A>T on transcript NM_000138.5 (MANE Select); coding-DNA position 7244, A replaced by T.
Protein change: p.Asn2415Ile; replaces asparagine 2415 with isoleucine.
Molecular consequence: missense variant.
Genome position (GRCh38, 1-based): chr15:48,425,825, T>A on the plus strand (A>T on the coding strand, the complement: FBN1 is on the minus strand). VCF-style: chr15-48425825-T-A. GRCh37 (hg19) VCF-style: chr15-48718022-T-A.
Other names: short protein forms N2415I.
Identifiers: ClinVar variation 571705 (VCV000571705.9), dbSNP rs1566892910, ClinGen allele CA392328769.